The following is an entry in ClinVar:

NM_030777.4(SLC2A10):c.173C>T (p.Ala58Val)

Gene: SLC2A10 (solute carrier family 2 member 10; plus strand). Cytogenetic location: 20q13.12.
Variant type: single nucleotide variant.
Coding change: c.173C>T on transcript NM_030777.4 (MANE Select); coding-DNA position 173, C replaced by T.
Protein change: p.Ala58Val; replaces alanine 58 with valine.
Molecular consequence: missense variant.
Genome position (GRCh38, 1-based): chr20:46,725,209, C>T. VCF-style: chr20-46725209-C-T. GRCh37 (hg19) VCF-style: chr20-45353848-C-T.
Other names: short protein forms A58V.
Identifiers: ClinVar variation 896230 (VCV000896230.8), dbSNP rs141310869, ClinGen allele CA315755244.

ClinVar aggregate classification (germline): Uncertain significance. Review status: criteria provided, multiple submitters, no conflicts (2 of 4 stars). 3 submissions from 3 submitters: Uncertain significance (3). Last evaluated 2024-04-17.

Conditions:
Familial thoracic aortic aneurysm and aortic dissection (TAAD). Also called: Thoracic aortic aneurysms and dissections. Identifiers: Orphanet 91387, MedGen C4707243, MONDO:0019625.
Arterial tortuosity syndrome (ATORS). Identifiers: Orphanet 3342, MedGen C1859726, MONDO:0008818, OMIM 208050.

Allele frequency attached by ClinVar (database versions not stated): gnomAD exomes below 0.00001 and 0.00002; TOPMed below 0.00001; gnomAD 0.00001; ESP Exome Variant Server 0.00008.
gnomAD v4.1: 23 of 1,614,000 alleles (0.0014%); highest among the groups gnomAD compares: Non-Finnish European, 0.0019%; no homozygotes.

Submissions (3):

Ambry Genetics
Classification: Uncertain significance for Familial thoracic aortic aneurysm and aortic dissection. Last evaluated: 2024-04-17. Review status: criteria provided, single submitter. Criteria: Ambry Variant Classification Scheme 2023. Collection method: clinical testing. Allele origin: germline.
Comment: The p.A58V variant (also known as c.173C>T), located in coding exon 2 of the SLC2A10 gene, results from a C to T substitution at nucleotide position 173. The alanine at codon 58 is replaced by valine, an amino acid with similar properties. This amino acid position is well conserved in available vertebrate species. In addition, the in silico prediction for this alteration is inconclusive. Based on the available evidence, the clinical significance of this variant remains unclear.

Labcorp Genetics (formerly Invitae), Labcorp
Classification: Uncertain significance for Arterial tortuosity syndrome. Last evaluated: 2023-10-04. Review status: criteria provided, single submitter. Criteria: Invitae Variant Classification Sherloc (09022015). Collection method: clinical testing. Allele origin: germline.
Comment: This sequence change replaces alanine, which is neutral and non-polar, with valine, which is neutral and non-polar, at codon 58 of the SLC2A10 protein (p.Ala58Val). This variant is not present in population databases (gnomAD no frequency). This missense change has been observed in individual(s) with arterial tortuosity syndrome (Invitae). ClinVar contains an entry for this variant (Variation ID: 896230). Advanced modeling of protein sequence and biophysical properties (such as structural, functional, and spatial information, amino acid conservation, physicochemical variation, residue mobility, and thermodynamic stability) has been performed at Invitae for this missense variant, however the output from this modeling did not meet the statistical confidence thresholds required to predict the impact of this variant on SLC2A10 protein function. In summary, the available evidence is currently insufficient to determine the role of this variant in disease. Therefore, it has been classified as a Variant of Uncertain Significance.

Illumina Laboratory Services, Illumina
Classification: Uncertain significance for Arterial tortuosity syndrome. Last evaluated: 2018-01-13. Review status: criteria provided, single submitter. Criteria: ICSL Variant Classification Criteria 13 December 2019. Collection method: clinical testing. Allele origin: germline.